The following is an entry in ClinVar:

NM_024757.5(EHMT1):c.983G>A (p.Gly328Glu)

Gene: EHMT1 (euchromatic histone lysine methyltransferase 1; plus strand). Cytogenetic location: 9q34.3.
Variant type: single nucleotide variant.
Coding change: c.983G>A on transcript NM_024757.5 (MANE Select); coding-DNA position 983, G replaced by A.
Protein change: p.Gly328Glu; replaces glycine 328 with glutamic acid.
Molecular consequence: missense variant.
Genome position (GRCh38, 1-based): chr9:137,743,903, G>A. VCF-style: chr9-137743903-G-A. GRCh37 (hg19) VCF-style: chr9-140638355-G-A.
Other names: c.983G>A, p.Gly328Glu (NM_001145527.2, NM_001354611.2); c.890G>A, p.Gly297Glu (NM_001354259.2, NM_001354612.2); c.962G>A, p.Gly321Glu (NM_001354263.2); c.983G>A (NM_024757.4); short protein forms G328E, G297E, G321E.
Identifiers: ClinVar variation 1447189 (VCV001447189.7), dbSNP rs1468659406, ClinGen allele CA375778649.
Genomic context (GRCh38, chr9:137,743,903, plus strand): 5'-AAGTTTGTTCATGATGCGCACTGATCCTGCCTTGGGGTATACACCTGCCCGTGTTCTAGG[G>A]GGAGAAGGACCTGGGCGCCAGCAGCCTGCACGTGAATGGGGAGAGCCTGGAGATGGACTC-3'
Protein context (NP_079033.4, residues 318-338): SITHSTVGSK[Gly328Glu]EKDLGASSLH

ClinVar aggregate classification (germline): Uncertain significance. Review status: criteria provided, multiple submitters, no conflicts (2 of 4 stars). 2 submissions from 2 submitters: Uncertain significance (2). Last evaluated 2025-05-25.

Conditions:
Inborn genetic diseases. Identifiers: MedGen C0950123, MeSH D030342.
Kleefstra syndrome 1 (KLEFS1). Identifiers: Orphanet 261494, MedGen C0795833, MONDO:0027407, OMIM 610253.

Allele frequency attached by ClinVar (database versions not stated): TOPMed 0.00001; gnomAD 0.00001; gnomAD exomes 0.00001.
gnomAD v4.1: 7 of 1,611,084 alleles (0.00043%); highest among the groups gnomAD compares: East Asian, 0.016%; no homozygotes.

Submissions (2):

Ambry Genetics
Classification: Uncertain significance for Inborn genetic diseases. Last evaluated: 2025-05-25. Review status: criteria provided, single submitter. Criteria: Ambry Variant Classification Scheme 2023. Collection method: clinical testing. Allele origin: germline.

Labcorp Genetics (formerly Invitae), Labcorp
Classification: Uncertain significance for Kleefstra syndrome 1. Last evaluated: 2022-07-06. Review status: criteria provided, single submitter. Criteria: Invitae Variant Classification Sherloc (09022015). Collection method: clinical testing. Allele origin: germline.
Comment: This sequence change replaces glycine, which is neutral and non-polar, with glutamic acid, which is acidic and polar, at codon 328 of the EHMT1 protein (p.Gly328Glu). This variant is not present in population databases (gnomAD no frequency). This variant has not been reported in the literature in individuals affected with EHMT1-related conditions. ClinVar contains an entry for this variant (Variation ID: 1447189). Algorithms developed to predict the effect of missense changes on protein structure and function (SIFT, PolyPhen-2, Align-GVGD) all suggest that this variant is likely to be tolerated. In summary, the available evidence is currently insufficient to determine the role of this variant in disease. Therefore, it has been classified as a Variant of Uncertain Significance.